The following is an entry in ClinVar:

NM_000326.5(RLBP1):c.525+5G>A

Gene: RLBP1 (retinaldehyde binding protein 1; minus strand). Cytogenetic location: 15q26.1.
Variant type: single nucleotide variant.
Coding change: c.525+5G>A on transcript NM_000326.5 (MANE Select); 5 bases into the intron after coding-DNA position 525, G replaced by A.
Molecular consequence: intron variant.
Genome position (GRCh38, 1-based): chr15:89,215,055, C>T on the plus strand (G>A on the coding strand, the complement: RLBP1 is on the minus strand). VCF-style: chr15-89215055-C-T. GRCh37 (hg19) VCF-style: chr15-89758286-C-T.
Identifiers: ClinVar variation 2004934 (VCV002004934.1), dbSNP rs2051567700, ClinGen allele CA2580090151.
Genomic context (GRCh38, chr15:89,215,055, plus strand): 5'-TAGAGGCCAGGGTTGAGGGAGGGAACCCAGCCCACAGGGTGGGAGCCAGGCGAGCCCCCA[C>T]TAACCTCATCAAAGGTGATTTCTTGACTTTGCCAGTTCTCAATGTTGAAGAGCATGACCA-3'

ClinVar aggregate classification (germline): Uncertain significance (1 of 4 stars; one submission).

Allele frequency attached by ClinVar (database versions not stated): gnomAD exomes below 0.00001.
gnomAD v4.1: 2 of 1,614,204 alleles (0.00012%); highest among the groups gnomAD compares: Non-Finnish European, 0.00017%; no homozygotes.

Submission:

Labcorp Genetics (formerly Invitae), Labcorp
Classification: Uncertain significance. Last evaluated: 2022-06-11. Review status: criteria provided, single submitter. Criteria: Invitae Variant Classification Sherloc (09022015). Collection method: clinical testing. Allele origin: germline.
Comment: This sequence change falls in intron 6 of the RLBP1 gene. It does not directly change the encoded amino acid sequence of the RLBP1 protein. It affects a nucleotide within the consensus splice site. This variant is not present in population databases (gnomAD no frequency). This variant has not been reported in the literature in individuals affected with RLBP1-related conditions. Variants that disrupt the consensus splice site are a relatively common cause of aberrant splicing (PMID: 17576681, 9536098). Algorithms developed to predict the effect of sequence changes on RNA splicing suggest that this variant may create or strengthen a splice site. In summary, the available evidence is currently insufficient to determine the role of this variant in disease. Therefore, it has been classified as a Variant of Uncertain Significance.

Literature cited by the submitters: PubMed 17576681; PubMed 9536098.